The following is an entry in ClinVar:

NM_001292063.2(OTOG):c.292+10A>T

Gene: OTOG (otogelin; plus strand). Cytogenetic location: 11p15.1.
Variant type: single nucleotide variant.
Coding change: c.292+10A>T on transcript NM_001292063.2 (MANE Select); 10 bases into the intron after coding-DNA position 292, A replaced by T.
Molecular consequence: intron variant.
Genome position (GRCh38, 1-based): chr11:17,552,085, A>T. VCF-style: chr11-17552085-A-T. GRCh37 (hg19) VCF-style: chr11-17573632-A-T.
Other names: c.328+10A>T (NM_001277269.2).
Identifiers: ClinVar variation 226881 (VCV000226881.16), dbSNP rs141597314, ClinGen allele CA5905330.
Genomic context (GRCh38, chr11:17,552,085, plus strand): 5'-CCATGTCTTCCTGGGAAAGGCGGCTCCATCGGGCCAAGTGTGCACCATCCTGTAAGTGGC[A>T]CCTTCACTGTGGTCCATGGGTTGTGCATGGGAGAGCCCTGGCAGAGGCCTGAAAGGGCAG-3'

ClinVar aggregate classification (germline): Benign. Review status: criteria provided, multiple submitters, no conflicts (2 of 4 stars). 5 submissions from 5 submitters: Benign (5). Last evaluated 2026-01-25.

Allele frequency attached by ClinVar (database versions not stated): 1000 Genomes Project 0.00958; 1000 Genomes Project 30x 0.01031; TOPMed 0.01320; ExAC 0.01380; gnomAD exomes 0.01399; gnomAD 0.01442 and 0.01457.
gnomAD v4.1: 27,856 of 1,549,972 alleles (1.8%); highest among the groups gnomAD compares: Non-Finnish European, 2.1%; 300 homozygotes.

Submissions (5):

Labcorp Genetics (formerly Invitae), Labcorp
Classification: Benign. Last evaluated: 2026-01-25. Review status: criteria provided, single submitter. Criteria: Invitae Variant Classification Sherloc (09022015). Collection method: clinical testing. Allele origin: germline.

Athena Diagnostics
Classification: Benign. Last evaluated: 2020-07-09. Review status: criteria provided, single submitter. Criteria: Athena Diagnostics Criteria. Collection method: clinical testing. Allele origin: unknown.

GeneDx
Classification: Benign. Last evaluated: 2018-06-25. Review status: criteria provided, single submitter. Criteria: GeneDx Variant Classification Process June 2021. Collection method: clinical testing. Allele origin: germline. Affected: yes.

Laboratory for Molecular Medicine, Mass General Brigham Personalized Medicine
Classification: Benign. Last evaluated: 2014-11-24. Review status: criteria provided, single submitter. Criteria: LMM Criteria. Collection method: clinical testing. Allele origin: germline. Observed: 22 variant alleles.
Comment: 328+10A>T in intron 3 of OTOG: This variant is not expected to have clinical sig nificance because it is not located within the conserved splice consensus sequen ce. It has been identified in 4.2% (5/120) of Colombian chromosomes from a broad population by the 1000 Genomes Project (P; dbSNP rs141597314).

Breakthrough Genomics
Classification: Benign. Review status: criteria provided, single submitter. Criteria: ACMG Guidelines, 2015. Collection method: not provided. Allele origin: germline. Inheritance: Autosomal recessive inheritance. Affected: yes.